The following is an entry in ClinVar:

NC_000012.12:g.121626893C>T

Genes: ORAI1 (ORAI calcium release-activated calcium modulator 1; plus strand), LOC130008987 (ATAC-STARR-seq lymphoblastoid silent region 4981; plus strand). Cytogenetic location: 12q24.31.
Variant type: single nucleotide variant.
Molecular consequence: non-coding transcript variant (on NR_186857.1).
Genome position: GRCh38 VCF-style: chr12-121626893-C-T. GRCh37 (hg19) VCF-style: chr12-122064799-C-T.
Identifiers: ClinVar variation 3750325 (VCV003750325.2).

ClinVar aggregate classification (germline): Uncertain significance (1 of 4 stars; one submission).

Conditions:
Myopathy, tubular aggregate, 2 (TAM2). Identifiers: MedGen C4014557, MONDO:0014383, OMIM 615883.
Combined immunodeficiency due to ORAI1 deficiency. Also called: IMMUNODEFICIENCY 9. Identifiers: Orphanet 169090, Orphanet 317428, MedGen C2748568, MONDO:0013007, OMIM 612782.

Submission:

Labcorp Genetics (formerly Invitae), Labcorp
Classification: Uncertain significance for Myopathy, tubular aggregate, 2; Combined immunodeficiency due to ORAI1 deficiency. Last evaluated: 2024-04-25. Review status: criteria provided, single submitter. Criteria: Invitae Variant Classification Sherloc (09022015). Collection method: clinical testing. Allele origin: germline.
Comment: This sequence change replaces alanine, which is neutral and non-polar, with valine, which is neutral and non-polar, at codon 49 of the ORAI1 protein (p.Ala49Val). This variant is present in population databases (rs782168399, gnomAD 0.02%). This variant has not been reported in the literature in individuals affected with ORAI1-related conditions. Experimental studies and prediction algorithms are not available or were not evaluated, and the functional significance of this variant is currently unknown. In summary, the available evidence is currently insufficient to determine the role of this variant in disease. Therefore, it has been classified as a Variant of Uncertain Significance.